The following is an entry in ClinVar:

NM_000435.3(NOTCH3):c.554G>T (p.Cys185Phe)

Gene: NOTCH3 (notch receptor 3; minus strand). Cytogenetic location: 19p13.12.
Variant type: single nucleotide variant.
Coding change: c.554G>T on transcript NM_000435.3 (MANE Select); coding-DNA position 554, G replaced by T.
Protein change: p.Cys185Phe; replaces cysteine 185 with phenylalanine.
Molecular consequence: missense variant.
Genome position (GRCh38, 1-based): chr19:15,192,085, C>A on the plus strand (G>T on the coding strand, the complement: NOTCH3 is on the minus strand). VCF-style: chr19-15192085-C-A. GRCh37 (hg19) VCF-style: chr19-15302896-C-A.
Other names: short protein forms C185F.
Identifiers: ClinVar variation 585610 (VCV000585610.5), dbSNP rs1555729477, ClinGen allele CA404533588.
Genomic context (GRCh38, chr19:15,192,085, plus strand): 5'-GGTGAGGGTGCACAGGGCACCGCGGGGTTCTCACATAGTGGCCCTGTGTAGCCAGCTGGA[C>A]ACTGGCAGCGGAAGGAGCCAGGTGTGTTGAGGCAGGTGCCACCATGGCGGCAGGGCTCAC-3'
Protein context (NP_000426.2, residues 175-195): LNTPGSFRCQ[Cys185Phe]PAGYTGPLCE

ClinVar aggregate classification (germline): Pathogenic/Likely pathogenic. Review status: criteria provided, multiple submitters, no conflicts (2 of 4 stars). 3 submissions from 3 submitters: Pathogenic (1); Likely pathogenic (2). Last evaluated 2026-06-11.

Conditions:
Cerebral arteriopathy, autosomal dominant, with subcortical infarcts and leukoencephalopathy, type 1 (CADASIL1). Also called: DEMENTIA, HEREDITARY MULTIINFARCT TYPE; Cerebral arteriopathy with subcortical infarcts and leukoencephalopathy 1; CADASIL 1; CASIL. Identifiers: Orphanet 136, MedGen C4551768, MONDO:0000914, OMIM 125310.

Submissions (3):

Women's Health and Genetics/Laboratory Corporation of America, LabCorp
Classification: Likely pathogenic for Cerebral arteriopathy, autosomal dominant, with subcortical infarcts and leukoencephalopathy, type 1. Last evaluated: 2026-06-11. Review status: criteria provided, single submitter. Criteria: LabCorp Variant Classification Summary - May 2015. Collection method: clinical testing. Allele origin: germline.
Comment: Variant summary: NOTCH3 c.554G>T (p.Cys185Phe) results in a non-conservative amino acid change in the encoded protein sequence. Algorithms developed to predict the effect of missense changes on protein structure and function all suggest that this variant is likely to be disruptive. The variant was absent in 249902 control chromosomes. c.554G>T has been observed in the heterozygous state in at least 1 individual(s) affected with autosomal dominant CADASIL (internal data). To our knowledge, no experimental evidence demonstrating an impact on protein function has been reported. Multiple variants located at the same codon (c.554G>A, p.Cys185Tyr; c.553T>C, p.Cys185Arg) have been classified as Pathogenic/Likely Pathogenic by our lab, supporting a critical relevance of this residue to NOTCH3 protein function.ClinVar contains an entry for this variant (Variation ID: 585610). To our knowledge, this variant has not been reported in individuals with autosomal recessive NOTCH3-related conditions. Based on the evidence outlined above, the variant was classified as likely pathogenic for autosomal dominant CADASIL.

Labcorp Genetics (formerly Invitae), Labcorp
Classification: Likely pathogenic. Last evaluated: 2024-08-28. Review status: criteria provided, single submitter. Criteria: Invitae Variant Classification Sherloc (09022015). Collection method: clinical testing. Allele origin: germline.
Comment: This sequence change replaces cysteine, which is neutral and slightly polar, with phenylalanine, which is neutral and non-polar, at codon 185 of the NOTCH3 protein (p.Cys185Phe). This variant is not present in population databases (gnomAD no frequency). This missense change has been observed in individual(s) with clinical features of NOTCH3-related conditions (internal data). ClinVar contains an entry for this variant (Variation ID: 585610). Invitae Evidence Modeling of protein sequence and biophysical properties (such as structural, functional, and spatial information, amino acid conservation, physicochemical variation, residue mobility, and thermodynamic stability) indicates that this missense variant is expected to disrupt NOTCH3 protein function with a positive predictive value of 95%. This variant disrupts the p.Cys185 amino acid residue in NOTCH3. Other variant(s) that disrupt this residue have been determined to be pathogenic (PMID: 9388399, 11755616, 25033846, 30402942, 34335700; internal data). This suggests that this residue is clinically significant, and that variants that disrupt this residue are likely to be disease-causing. In summary, the currently available evidence indicates that the variant is pathogenic, but additional data are needed to prove that conclusively. Therefore, this variant has been classified as Likely Pathogenic.

Athena Diagnostics
Classification: Pathogenic. Last evaluated: 2022-09-13. Review status: criteria provided, single submitter. Criteria: Athena Diagnostics Criteria. Collection method: clinical testing. Allele origin: unknown.
Comment: This variant has been identified in at least one individual with clinical features of CADASIL. This variant has not been reported in large, multi-ethnic general populations. This variant alters a critical location within the protein, and is expected to severely affect function and cause disease. Greater than 90% of pathogenic variants identified in NOTCH3 involve the gain or loss of a cysteine residue within the epidermal growth factor (EGF)-like repeat domain.

Literature cited by the submitters: PubMed 9388399 (cited by Labcorp Genetics (formerly Invitae), Labcorp); PubMed 11755616 (cited by Labcorp Genetics (formerly Invitae), Labcorp); PubMed 25033846 (cited by Labcorp Genetics (formerly Invitae), Labcorp); PubMed 30402942 (cited by Labcorp Genetics (formerly Invitae), Labcorp); PubMed 34335700 (cited by Labcorp Genetics (formerly Invitae), Labcorp).